The following is an entry in ClinVar:

ClinVar aggregate classification (germline): Uncertain significance. Review status: criteria provided, multiple submitters, no conflicts (2 of 4 stars). 2 submissions from 2 submitters: Uncertain significance (2). Last evaluated 2025-08-26.

Conditions:
Emery-Dreifuss muscular dystrophy (EDMD). Also called: Scapuloperoneal syndrome, X-linked (formerly); Humeroperoneal neuromuscular disease, (formerly). Identifiers: Orphanet 261, MedGen C0410189, MONDO:0016830.

Allele frequency attached by ClinVar (database versions not stated): ExAC 0.00003; gnomAD exomes 0.00003; TOPMed 0.00011; gnomAD 0.00014 and 0.00015.

Submissions (2):

Labcorp Genetics (formerly Invitae), Labcorp
Classification: Uncertain significance for Emery-Dreifuss muscular dystrophy. Last evaluated: 2025-08-26. Review status: criteria provided, single submitter. Criteria: Invitae Variant Classification Sherloc (09022015). Collection method: clinical testing. Allele origin: germline.
Comment: This sequence change replaces glutamine, which is neutral and polar, with lysine, which is basic and polar, at codon 58 of the SUN2 protein (p.Gln58Lys). This variant is present in population databases (rs375796599, gnomAD 0.03%). This variant has not been reported in the literature in individuals affected with SUN2-related conditions. ClinVar contains an entry for this variant (Variation ID: 1402429). An algorithm developed to predict the effect of missense changes on protein structure and function (PolyPhen-2) suggests that this variant is likely to be tolerated. In summary, the available evidence is currently insufficient to determine the role of this variant in disease. Therefore, it has been classified as a Variant of Uncertain Significance.

Ambry Genetics
Classification: Uncertain significance. Last evaluated: 2021-10-12. Review status: criteria provided, single submitter. Criteria: Ambry Variant Classification Scheme 2023. Collection method: clinical testing. Allele origin: germline.

NM_015374.3(SUN2):c.172C>A (p.Gln58Lys)

Gene: SUN2 (Sad1 and UNC84 domain containing 2; minus strand). Cytogenetic location: 22q13.1.
Variant type: single nucleotide variant.
Coding change: c.172C>A on transcript NM_015374.3 (MANE Select); coding-DNA position 172, C replaced by A.
Protein change: p.Gln58Lys; replaces glutamine 58 with lysine.
Molecular consequence: missense variant. On other transcripts: intron variant (2).
Genome position (GRCh38, 1-based): chr22:38,751,324, G>T on the plus strand (C>A on the coding strand, the complement: SUN2 is on the minus strand). VCF-style: chr22-38751324-G-T. GRCh37 (hg19) VCF-style: chr22-39147329-G-T.
Other names: c.172C>A, p.Gln58Lys (NM_001394445.1, NM_001394436.1, NM_001394437.1 and 16 more transcripts); c.122+1183C>A (NM_001394443.1); c.123-41C>A (NM_001394438.1); c.172C>A (NM_015374.2); short protein forms Q58K.
Identifiers: ClinVar variation 1402429 (VCV001402429.7), dbSNP rs375796599, ClinGen allele CA10236072.
Genomic context (GRCh38, chr22:38,751,324, plus strand): 5'-ACTCGTGGACCAGCGACTCACTGTAGTAGGAGGTGTGTGCATCAGAGGACGGGCCCAGCT[G>T]TGGCGCTGGGGACAGGCGCTTCATGTTGCTGGATTTCCTCTTCAAGGTCCTGTGGGACAA-3'
Protein context (NP_056189.1, residues 48-68): SNMKRLSPAP[Gln58Lys]LGPSSDAHTS